The following is an entry in ClinVar:

NM_000091.5(COL4A3):c.1315G>T (p.Gly439Cys)

Genes: MFF-DT (MFF divergent transcript; minus strand), COL4A3 (collagen type IV alpha 3 chain; plus strand). Cytogenetic location: 2q36.3.
Variant type: single nucleotide variant.
Coding change: c.1315G>T on transcript NM_000091.5 (MANE Select); coding-DNA position 1315, G replaced by T.
Protein change: p.Gly439Cys; replaces glycine 439 with cysteine.
Molecular consequence: missense variant.
Genome position (GRCh38, 1-based): chr2:227,263,944, G>T. VCF-style: chr2-227263944-G-T. GRCh37 (hg19) VCF-style: chr2-228128660-G-T.
Other names: short protein forms G439C.
Identifiers: ClinVar variation 4817170 (VCV004817170.1).
Genomic context (GRCh38, chr2:227,263,944, plus strand): 5'-TCCCCAGGTTGTGCTGGTTCACCAGGTCTTCCAGGATCACCGGGACCTCCAGGACCGCCA[G>T]GTAAAGATGTGGAAGGGGACCCCTTTTGTGCACAGTGCCAAATGACAGATGTGTGCAAAC-3'
Protein context (NP_000082.2, residues 429-449): PGSPGPPGPP[Gly439Cys]DIVFRKGPPG

ClinVar aggregate classification (germline): Likely pathogenic (1 of 4 stars; one submission).

Conditions:
Alport syndrome. Also called: Hemorrhagic familial nephritis; Hemorrhagic hereditary nephritis; Congenital hereditary hematuria. Identifiers: Orphanet 63, MedGen C1567741, MONDO:0018965.

Submission:

Natera, Inc.
Classification: Likely pathogenic for Alport syndrome. Last evaluated: 2025-12-02. Review status: criteria provided, single submitter. Criteria: Natera Variant Classification Schema (03/2026). Collection method: clinical testing. Allele origin: germline.
Comment: The c.1315G>T variant in COL4A3 is a missense variant predicted to cause substitution of glycine to cysteine at amino acid 439. This variant is rare in the general population with a frequency below the threshold expected for the associated phenotype(s). This variant has been observed in one or more individuals affected with the associated recessive disease, as either homozygous or compound heterozygous with a second variant (PMID: 37986374). This variant is located in a functionally critical region of the protein. A different variant at the same position has been determined to be Pathogenic or Likely Pathogenic. Computational prediction algorithms indicate this variant is likely to affect gene or protein function. Given the available evidence, this variant is classified as Likely Pathogenic.

Literature cited by the submitters: PubMed 37986374.